The following is an entry in ClinVar:

ClinVar aggregate classification (germline): Benign/Likely benign. Review status: criteria provided, multiple submitters, no conflicts (2 of 4 stars). 2 submissions from 2 submitters: Benign (1); Likely benign (1). Last evaluated 2026-04-29.

Conditions:
Colorectal cancer, hereditary nonpolyposis, type 7. Identifiers: Orphanet 144, MedGen C1858380, MONDO:0013725, OMIM 614385.

Allele frequency attached by ClinVar (database versions not stated): TOPMed below 0.00001.

Submissions (2):

Myriad Genetics, Inc.
Classification: Benign for Colorectal cancer, hereditary nonpolyposis, type 7. Last evaluated: 2026-04-29. Review status: criteria provided, single submitter. Criteria: Myriad Autosomal Dominant, Autosomal Recessive and X-Linked Classification Criteria (2023). Collection method: clinical testing. Allele origin: unknown.
Comment: This variant is considered benign. This variant is a silent/synonymous amino acid change and it is not expected to impact splicing.

Labcorp Genetics (formerly Invitae), Labcorp
Classification: Likely benign for Colorectal cancer, hereditary nonpolyposis, type 7. Last evaluated: 2021-05-09. Review status: criteria provided, single submitter. Criteria: Invitae Variant Classification Sherloc (09022015). Collection method: clinical testing. Allele origin: germline.

NM_001040108.2(MLH3):c.540C>T (p.Leu180=)

Gene: MLH3 (mutL homolog 3; minus strand). Cytogenetic location: 14q24.3.
Variant type: single nucleotide variant.
Coding change: c.540C>T on transcript NM_001040108.2 (MANE Select); coding-DNA position 540, C replaced by T.
Protein change: p.Leu180=; no amino-acid change (leucine 180 retained).
Molecular consequence: synonymous variant.
Genome position (GRCh38, 1-based): chr14:75,049,116, G>A on the plus strand (C>T on the coding strand, the complement: MLH3 is on the minus strand). VCF-style: chr14-75049116-G-A. GRCh37 (hg19) VCF-style: chr14-75515819-G-A.
Other names: c.540C>T, p.Leu180= (NM_014381.3).
Identifiers: ClinVar variation 1663501 (VCV001663501.9), dbSNP rs1041937445, ClinGen allele CA263653718.